The following is an entry in ClinVar:

ClinVar aggregate classification (germline): Likely benign. Review status: criteria provided, multiple submitters, no conflicts (2 of 4 stars). 4 submissions from 4 submitters: Likely benign (4). Last evaluated 2023-11-19.

Conditions:
Inborn genetic diseases. Identifiers: MedGen C0950123, MeSH D030342.
Charcot-Marie-Tooth disease type 4. Also called: Charcot-Marie-Tooth disease, type IV; Charcot-Marie-Tooth, Type 4. Identifiers: Orphanet 64749, MedGen C4082197, MONDO:0018995.

Allele frequency attached by ClinVar (database versions not stated): ExAC 0.00001; gnomAD 0.00001; gnomAD exomes 0.00001 and 0.00003; TOPMed 0.00001; ESP Exome Variant Server 0.00008.
gnomAD v4.1: 47 of 1,613,830 alleles (0.0029%); highest among the groups gnomAD compares: Non-Finnish European, 0.0038%; no homozygotes.

Submissions (4):

Labcorp Genetics (formerly Invitae), Labcorp
Classification: Likely benign for Charcot-Marie-Tooth disease type 4. Last evaluated: 2023-11-19. Review status: criteria provided, single submitter. Criteria: Invitae Variant Classification Sherloc (09022015). Collection method: clinical testing. Allele origin: germline.

Blueprint Genetics
Classification: Likely benign. Last evaluated: 2021-04-12. Review status: criteria provided, single submitter. Criteria: ACMG Guidelines, 2015. Collection method: clinical testing. Allele origin: germline.

Ambry Genetics
Classification: Likely benign for Inborn genetic diseases. Last evaluated: 2019-07-11. Review status: criteria provided, single submitter. Criteria: Ambry Variant Classification Scheme 2023. Collection method: clinical testing. Allele origin: germline.

GeneDx
Classification: Likely benign. Last evaluated: 2018-02-14. Review status: criteria provided, single submitter. Criteria: GeneDx Variant Classification (06012015). Collection method: clinical testing. Allele origin: germline. Affected: yes.
Comment: This variant is considered likely benign or benign based on one or more of the following criteria: it is a conservative change, it occurs at a poorly conserved position in the protein, it is predicted to be benign by multiple in silico algorithms, and/or has population frequency not consistent with disease.

NM_001370298.3(FGD4):c.2148G>A (p.Arg716=)

Gene: FGD4 (FYVE, RhoGEF and PH domain containing 4; plus strand). Cytogenetic location: 12p11.21.
Variant type: single nucleotide variant.
Coding change: c.2148G>A on transcript NM_001370298.3 (MANE Select); coding-DNA position 2148, G replaced by A.
Protein change: p.Arg716=; no amino-acid change (arginine 716 retained).
Molecular consequence: synonymous variant.
Genome position (GRCh38, 1-based): chr12:32,625,755, G>A. VCF-style: chr12-32625755-G-A. GRCh37 (hg19) VCF-style: chr12-32778689-G-A.
Other names: c.1992G>A, p.Arg664= (NM_001304481.2); c.993G>A, p.Arg331= (NM_001304483.2); c.705G>A, p.Arg235= (NM_001304484.2); c.1458G>A, p.Arg486= (NM_001330373.2, NM_001330374.2, NM_001384130.1); c.1185G>A, p.Arg395= (NM_001370297.1); c.2148G>A, p.Arg716= (NM_001384126.1); c.1737G>A, p.Arg579= (NM_001384127.1, NM_001384128.1, NM_001385118.1 and 1 more transcripts).
Identifiers: ClinVar variation 515491 (VCV000515491.13), dbSNP rs372451301, ClinGen allele CA6506993.